The following is an entry in ClinVar:

ClinVar aggregate classification (germline): Uncertain significance (1 of 4 stars; one submission).

Conditions:
Curry-Hall syndrome (WAD). Also called: WEYERS ACRODENTAL DYSOSTOSIS. Identifiers: Orphanet 952, MedGen C0457013, MONDO:0008673, OMIM 193530.
Ellis-van Creveld syndrome (EVC). Also called: MESOECTODERMAL DYSPLASIA; EVC-Related Ellis-van Creveld Syndrome; EVC2-Related Ellis-van Creveld Syndrome; Chondroectodermal dysplasia. Identifiers: Orphanet 289, MedGen C0013903, MONDO:0009162, OMIM 225500.

Allele frequency attached by ClinVar (database versions not stated): TOPMed below 0.00001; ExAC 0.00001; gnomAD 0.00001.
gnomAD v4.1: 4 of 1,613,826 alleles (0.00025%); highest among the groups gnomAD compares: African/African-American, 0.0013%; no homozygotes.

Submission:

Labcorp Genetics (formerly Invitae), Labcorp
Classification: Uncertain significance for Curry-Hall syndrome; Ellis-van Creveld syndrome. Last evaluated: 2022-06-02. Review status: criteria provided, single submitter. Criteria: Invitae Variant Classification Sherloc (09022015). Collection method: clinical testing. Allele origin: germline.
Comment: In summary, the available evidence is currently insufficient to determine the role of this variant in disease. Therefore, it has been classified as a Variant of Uncertain Significance. Algorithms developed to predict the effect of missense changes on protein structure and function are either unavailable or do not agree on the potential impact of this missense change (SIFT: "Deleterious"; PolyPhen-2: "Probably Damaging"; Align-GVGD: "Class C0"). This variant has not been reported in the literature in individuals affected with EVC-related conditions. This variant is present in population databases (rs749715176, gnomAD 0.0009%). This sequence change replaces glycine, which is neutral and non-polar, with glutamic acid, which is acidic and polar, at codon 411 of the EVC protein (p.Gly411Glu).

NM_153717.3(EVC):c.1232G>A (p.Gly411Glu)

Gene: EVC (EvC ciliary complex subunit 1; plus strand). Cytogenetic location: 4p16.2.
Variant type: single nucleotide variant.
Coding change: c.1232G>A on transcript NM_153717.3 (MANE Select); coding-DNA position 1232, G replaced by A.
Protein change: p.Gly411Glu; replaces glycine 411 with glutamic acid.
Molecular consequence: missense variant.
Genome position (GRCh38, 1-based): chr4:5,752,969, G>A. VCF-style: chr4-5752969-G-A. GRCh37 (hg19) VCF-style: chr4-5754696-G-A.
Other names: c.1232G>A, p.Gly411Glu (NM_001306090.2, NM_001306092.2); short protein forms G411E.
Identifiers: ClinVar variation 2428174 (VCV002428174.6), dbSNP rs749715176, ClinGen allele CA2836034.